The following is an entry in ClinVar:

NM_001127178.3(PIGG):c.1933G>T (p.Val645Leu)

Gene: PIGG (phosphatidylinositol glycan anchor biosynthesis class G (EMM blood group); plus strand). Cytogenetic location: 4p16.3.
Variant type: single nucleotide variant.
Coding change: c.1933G>T on transcript NM_001127178.3 (MANE Select); coding-DNA position 1933, G replaced by T.
Protein change: p.Val645Leu; replaces valine 645 with leucine.
Molecular consequence: missense variant. On other transcripts: non-coding transcript variant (6).
Genome position (GRCh38, 1-based): chr4:523,777, G>T. VCF-style: chr4-523777-G-T. GRCh37 (hg19) VCF-style: chr4-517566-G-T.
Other names: c.1666G>T, p.Val556Leu (NM_001289051.2, NM_001345986.2); c.1534G>T, p.Val512Leu (NM_001289052.2); c.1642G>T, p.Val548Leu (NM_001345987.2); c.904G>T, p.Val302Leu (NM_001345988.2); c.400G>T, p.Val134Leu (NM_001345990.2, NM_001345991.2); c.835G>T, p.Val279Leu (NM_001345994.2); c.1909G>T, p.Val637Leu (NM_017733.5); short protein forms V302L, V556L, V645L, V279L, V512L, V637L, V134L, V548L.
Identifiers: ClinVar variation 936214 (VCV000936214.8), dbSNP rs142545574, ClinGen allele CA2793487.

ClinVar aggregate classification (germline): Uncertain significance (1 of 4 stars; one submission).

Conditions:
Intellectual disability, autosomal recessive 53 (NEDHSCA). Also called: NEURODEVELOPMENTAL DISORDER WITH OR WITHOUT HYPOTONIA, SEIZURES, AND CEREBELLAR ATROPHY; GLYCOSYLPHOSPHATIDYLINOSITOL BIOSYNTHESIS DEFECT 13; Mental retardation, autosomal recessive 53. Identifiers: Orphanet 488635, MedGen C4310794, MONDO:0014832, OMIM 616917.

gnomAD v4.1: 11 of 1,613,928 alleles (0.00068%); highest among the groups gnomAD compares: Non-Finnish European, 0.00085%; no homozygotes.

Submission:

Labcorp Genetics (formerly Invitae), Labcorp
Classification: Uncertain significance for Intellectual disability, autosomal recessive 53. Last evaluated: 2019-08-29. Review status: criteria provided, single submitter. Criteria: Invitae Variant Classification Sherloc (09022015). Collection method: clinical testing. Allele origin: germline.
Comment: Algorithms developed to predict the effect of missense changes on protein structure and function output the following: SIFT: "Tolerated"; PolyPhen-2: "Benign"; Align-GVGD: "Class C0". The leucine amino acid residue is found in multiple mammalian species, suggesting that this missense change does not adversely affect protein function. These predictions have not been confirmed by published functional studies and their clinical significance is uncertain. In summary, the available evidence is currently insufficient to determine the role of this variant in disease. Therefore, it has been classified as a Variant of Uncertain Significance. This variant has not been reported in the literature in individuals with PIGG-related conditions. This variant is present in population databases (rs142545574, ExAC 0.002%). This sequence change replaces valine with leucine at codon 645 of the PIGG protein (p.Val645Leu). The valine residue is weakly conserved and there is a small physicochemical difference between valine and leucine.